The following is an entry in ClinVar:

ClinVar aggregate classification (germline): Uncertain significance (1 of 4 stars; one submission).

gnomAD v4.1: 27 of 1,586,660 alleles (0.0017%); highest among the groups gnomAD compares: Non-Finnish European, 0.0022%; no homozygotes.

Submission:

GeneDx
Classification: Uncertain significance. Last evaluated: 2025-04-16. Review status: criteria provided, single submitter. Criteria: GeneDx Variant Classification Process June 2021. Collection method: clinical testing. Allele origin: germline. Affected: yes.
Comment: Not observed at significant frequency in large population cohorts (gnomAD); In silico analysis indicates that this missense variant does not alter protein structure/function; Has not been previously published as pathogenic or benign to our knowledge

NM_000503.6(EYA1):c.590C>T (p.Thr197Ile)

Gene: EYA1 (EYA transcriptional coactivator and phosphatase 1; minus strand). Cytogenetic location: 8q13.3.
Variant type: single nucleotide variant.
Coding change: c.590C>T on transcript NM_000503.6 (MANE Select); coding-DNA position 590, C replaced by T.
Protein change: p.Thr197Ile; replaces threonine 197 with isoleucine.
Molecular consequence: missense variant.
Genome position (GRCh38, 1-based): chr8:71,299,687, G>A on the plus strand (C>T on the coding strand, the complement: EYA1 is on the minus strand). VCF-style: chr8-71299687-G-A. GRCh37 (hg19) VCF-style: chr8-72211922-G-A.
Other names: c.572C>T, p.Thr191Ile (NM_001288574.2); c.224C>T, p.Thr75Ile (NM_001288575.2); c.677C>T, p.Thr226Ile (NM_001370333.1); c.590C>T, p.Thr197Ile (NM_001370334.1, NM_001370335.1, NM_172058.4); c.659C>T, p.Thr220Ile (NM_001370336.1); c.491C>T, p.Thr164Ile (NM_001411797.1, NM_172060.4); c.662C>T, p.Thr221Ile (NM_172059.5); short protein forms T164I, T191I, T197I, T220I, T221I, T226I, T75I.
Identifiers: ClinVar variation 4282256 (VCV004282256.1).